The following is an entry in ClinVar:

ClinVar aggregate classification (germline): Uncertain significance (1 of 4 stars; one submission).

Conditions:
Shprintzen-Goldberg syndrome (SGS). Also called: Marfanoid disorder with craniosynostosis type 1; Marfanoid craniosynostosis syndrome; Shprintzen-Goldberg marfanoid syndrome; SHPRINTZEN-GOLDBERG CRANIOSYNOSTOSIS SYNDROME; CRANIOSYNOSTOSIS WITH ARACHNODACTYLY AND ABDOMINAL HERNIAS. Identifiers: Orphanet 2462, MedGen C1321551, MONDO:0008426, OMIM 182212.

Submission:

Labcorp Genetics (formerly Invitae), Labcorp
Classification: Uncertain significance for Shprintzen-Goldberg syndrome. Last evaluated: 2023-02-10. Review status: criteria provided, single submitter. Criteria: Invitae Variant Classification Sherloc (09022015). Collection method: clinical testing. Allele origin: germline.
Comment: This sequence change replaces proline, which is neutral and non-polar, with serine, which is neutral and polar, at codon 77 of the SKI protein (p.Pro77Ser). This variant is not present in population databases (gnomAD no frequency). This variant has not been reported in the literature in individuals affected with SKI-related conditions. ClinVar contains an entry for this variant (Variation ID: 532219). Advanced modeling of protein sequence and biophysical properties (such as structural, functional, and spatial information, amino acid conservation, physicochemical variation, residue mobility, and thermodynamic stability) has been performed at Invitae for this missense variant, however the output from this modeling did not meet the statistical confidence thresholds required to predict the impact of this variant on SKI protein function. In summary, the available evidence is currently insufficient to determine the role of this variant in disease. Therefore, it has been classified as a Variant of Uncertain Significance.

NM_003036.4(SKI):c.229C>T (p.Pro77Ser)

Gene: SKI (SKI proto-oncogene; plus strand). Cytogenetic location: 1p36.33.
Variant type: single nucleotide variant.
Coding change: c.229C>T on transcript NM_003036.4 (MANE Select); coding-DNA position 229, C replaced by T.
Protein change: p.Pro77Ser; replaces proline 77 with serine.
Molecular consequence: missense variant.
Genome position (GRCh38, 1-based): chr1:2,228,995, C>T. VCF-style: chr1-2228995-C-T. GRCh37 (hg19) VCF-style: chr1-2160434-C-T.
Other names: short protein forms P77S.
Identifiers: ClinVar variation 532219 (VCV000532219.10), dbSNP rs1370601989, ClinGen allele CA337952355.